The following is an entry in ClinVar:

ClinVar aggregate classification (germline): Conflicting classifications of pathogenicity. Review status: criteria provided, conflicting classifications (1 of 4 stars). 10 submissions from 10 submitters: Uncertain significance (4); Likely benign (1). 5 of the submissions do not count toward it. Last evaluated 2025-07-01.

Conditions:
Cardiovascular phenotype. Identifiers: MedGen CN230736.
Myopathy, myofibrillar, 9, with early respiratory failure (MFM9). Also called: EDSTROM MYOPATHY; Hereditary myopathy with early respiratory failure; Myopathy, distal, with early respiratory failure, autosomal dominant; MYOPATHY, PROXIMAL, WITH EARLY RESPIRATORY MUSCLE INVOLVEMENT. Identifiers: Orphanet 178464, Orphanet 34521, MedGen C1863599, MONDO:0011362, OMIM 603689.
Dilated cardiomyopathy 1G (CMD1G). Identifiers: Orphanet 154, MedGen C1858763, MONDO:0011400, OMIM 604145.
Tibial muscular dystrophy (TMD). Also called: Udd Distal Myopathy – Tibial Muscular Dystrophy; UDD MYOPATHY; Tibial muscular dystrophy, tardive. Identifiers: Orphanet 609, MedGen C1838244, MONDO:0010870, OMIM 600334.
Hypertrophic cardiomyopathy 9. Also called: Familial hypertrophic cardiomyopathy 9. Identifiers: MedGen C1861065, MONDO:0013412, OMIM 613765.
Autosomal recessive limb-girdle muscular dystrophy type 2J (LGMDR10). Also called: Limb-girdle muscular dystrophy, type 2J; MUSCULAR DYSTROPHY, LIMB-GIRDLE, AUTOSOMAL RECESSIVE 10. Identifiers: Orphanet 140922, MedGen C1837342, MONDO:0012127, OMIM 608807.
Early-onset myopathy with fatal cardiomyopathy (CMYO5). Also called: Salih Myopathy; CONGENITAL MYOPATHY 5 WITH CARDIOMYOPATHY. Identifiers: Orphanet 289377, MedGen C2673677, MONDO:0012714, OMIM 611705. Disease mechanism: loss of function.
TTN-related disorder. Also called: TTN-related disorders; TTN-related condition; TTN-related disease.

Allele frequency attached by ClinVar (database versions not stated): ExAC 0.00004; TOPMed 0.00004; gnomAD exomes 0.00005 and 0.00006; gnomAD 0.00006; ESP Exome Variant Server 0.00008.
gnomAD v4.1: 83 of 1,610,408 alleles (0.0052%); highest among the groups gnomAD compares: Non-Finnish European, 0.0068%; no homozygotes.

Submissions (10):

Mayo Clinic Laboratories, Mayo Clinic
Classification: Uncertain significance. Last evaluated: 2025-07-01. Review status: criteria provided, single submitter. Criteria: ACMG Guidelines, 2015. Collection method: clinical testing. Allele origin: germline. Observed: 1 variant allele.
Comment: BP4, PM2_supporting

PreventionGenetics, part of Exact Sciences
Classification: Uncertain significance for TTN-related condition. Last evaluated: 2025-05-16. Review status: criteria provided, single submitter. Criteria: ACMG Guidelines, 2015. Collection method: clinical testing. Allele origin: germline.
Comment: The TTN c.65389T>G variant is predicted to result in the amino acid substitution p.Cys21797Gly. This variant has been reported as uncertain in an individual with dilated cardiomyopathy (Supplemental Table 4, Verdonschot et al. 2020. PubMed ID: 32880476). This variant is reported in 0.013% of alleles in individuals of European (Non-Finnish) descent in gnomAD. At this time, the clinical significance of this variant is uncertain due to the absence of conclusive functional and genetic evidence.

Fulgent Genetics
Classification: Uncertain significance for Tibial muscular dystrophy; Myopathy, myofibrillar, 9, with early respiratory failure; Dilated cardiomyopathy 1G; Autosomal recessive limb-girdle muscular dystrophy type 2J; Early-onset myopathy with fatal cardiomyopathy; Hypertrophic cardiomyopathy 9. Last evaluated: 2022-03-09. Review status: criteria provided, single submitter. Criteria: ACMG Guidelines, 2015. Collection method: clinical testing. Allele origin: unknown.

Ambry Genetics
Classification: Likely benign for Cardiovascular phenotype. Last evaluated: 2020-08-31. Review status: criteria provided, single submitter. Criteria: Ambry Variant Classification Scheme 2023. Collection method: clinical testing. Allele origin: germline.

Revvity Omics, Revvity
Classification: Uncertain significance. Last evaluated: 2019-03-27. Review status: criteria provided, single submitter. Criteria: ACMG Guidelines, 2015. Collection method: clinical testing. Allele origin: germline.

Clinical Genetics DNA and cytogenetics Diagnostics Lab, Erasmus MC, Erasmus Medical Center
Classification: Uncertain significance. Review status: no assertion criteria provided. Collection method: clinical testing. Allele origin: germline. Affected: yes. Study: VKGL Data-share Consensus. Not counted in ClinVar's aggregate classification.

Clinical Genetics, Academic Medical Center
Classification: Uncertain significance. Review status: no assertion criteria provided. Collection method: clinical testing. Allele origin: germline. Affected: yes. Study: VKGL Data-share Consensus. Not counted in ClinVar's aggregate classification.

Diagnostic Laboratory, Department of Genetics, University Medical Center Groningen
Classification: Uncertain significance. Review status: no assertion criteria provided. Collection method: clinical testing. Allele origin: germline. Affected: yes. Study: VKGL Data-share Consensus. Not counted in ClinVar's aggregate classification.

Genome Diagnostics Laboratory, University Medical Center Utrecht
Classification: Uncertain significance. Review status: no assertion criteria provided. Collection method: clinical testing. Allele origin: germline. Affected: yes. Study: VKGL Data-share Consensus. Not counted in ClinVar's aggregate classification.

Joint Genome Diagnostic Labs from Nijmegen and Maastricht, Radboudumc and MUMC+
Classification: Uncertain significance. Review status: no assertion criteria provided. Collection method: clinical testing. Allele origin: germline. Affected: yes. Study: VKGL Data-share Consensus. Not counted in ClinVar's aggregate classification.

Literature cited by the submitters: PubMed 32880476 (cited by Mayo Clinic Laboratories, Mayo Clinic).

NM_001267550.2(TTN):c.65389T>G (p.Cys21797Gly)

Genes: TTN (titin; minus strand), TTN-AS1 (TTN antisense RNA 1; plus strand). Cytogenetic location: 2q31.2.
Variant type: single nucleotide variant.
Coding change: c.65389T>G on transcript NM_001267550.2 (MANE Select); coding-DNA position 65389, T replaced by G.
Protein change: p.Cys21797Gly; replaces cysteine 21797 with glycine.
Molecular consequence: missense variant. On other transcripts: non-coding transcript variant (1).
Genome position (GRCh38, 1-based): chr2:178,583,793, A>C on the plus strand (T>G on the coding strand, the complement: TTN is on the minus strand). VCF-style: chr2-178583793-A-C. GRCh37 (hg19) VCF-style: chr2-179448520-A-C.
Other names: p.Cys20156Gly; c.60466T>G, p.Cys20156Gly (NM_001256850.1); c.38194T>G, p.Cys12732Gly (NM_003319.4); c.57685T>G, p.Cys19229Gly (NM_133378.4); c.38569T>G, p.Cys12857Gly (NM_133432.3); c.38770T>G, p.Cys12924Gly (NM_133437.4); short protein forms C12732G, C12857G, C12924G, C19229G, C20156G, C21797G.
Identifiers: ClinVar variation 1174805 (VCV001174805.16), dbSNP rs375830234, ClinGen allele CA1991712.